The following is an entry in ClinVar:

ClinVar aggregate classification (germline): Uncertain significance (1 of 4 stars; one submission).

Conditions:
Cardiovascular phenotype. Identifiers: MedGen CN230736.

Submission:

Ambry Genetics
Classification: Uncertain significance for Cardiovascular phenotype. Last evaluated: 2025-06-23. Review status: criteria provided, single submitter. Criteria: Ambry Variant Classification Scheme 2023. Collection method: clinical testing. Allele origin: germline.
Comment: The p.V139M variant (also known as c.415G>A), located in coding exon 3 of the MYH6 gene, results from a G to A substitution at nucleotide position 415. The valine at codon 139 is replaced by methionine, an amino acid with highly similar properties. This amino acid position is conserved. In addition, the in silico prediction for this alteration is inconclusive. Based on the available evidence, the clinical significance of this variant remains unclear.

NM_002471.4(MYH6):c.415G>A (p.Val139Met)

Genes: MYH6 (myosin heavy chain 6; minus strand), LOC114827851 (VISTA enhancer hs2155; plus strand). Cytogenetic location: 14q11.2.
Variant type: single nucleotide variant.
Coding change: c.415G>A on transcript NM_002471.4 (MANE Select); coding-DNA position 415, G replaced by A.
Protein change: p.Val139Met; replaces valine 139 with methionine.
Molecular consequence: missense variant.
Genome position (GRCh38, 1-based): chr14:23,405,310, C>T on the plus strand (G>A on the coding strand, the complement: MYH6 is on the minus strand). VCF-style: chr14-23405310-C-T. GRCh37 (hg19) VCF-style: chr14-23874519-C-T.
Other names: short protein forms V139M.
Identifiers: ClinVar variation 4114832 (VCV004114832.1).
Genomic context (GRCh38, chr14:23,405,310, plus strand): 5'-CGGAGATGGAGAAGATGTGGGGCGGGGCCTCACTCCTCTTCTTGCCCCGGTAGGCGGCCA[C>T]CACCTCGGCATTGTACACCGGCAGCCACTTGTAGGGGTTGACAGTGACACAGAAGAGGCC-3'
Protein context (NP_002462.2, residues 129-149): KWLPVYNAEV[Val139Met]AAYRGKKRSE